The following is an entry in ClinVar:

NM_001374385.1(ATP8B1):c.3473T>C (p.Leu1158Pro)

Genes: ATP8B1 (ATPase phospholipid transporting 8B1; minus strand), ATP8B1-AS1 (ATP8B1 antisense RNA 1; plus strand). Cytogenetic location: 18q21.31.
Variant type: single nucleotide variant.
Coding change: c.3473T>C on transcript NM_001374385.1 (MANE Select); coding-DNA position 3473, T replaced by C.
Protein change: p.Leu1158Pro; replaces leucine 1158 with proline.
Molecular consequence: missense variant.
Genome position (GRCh38, 1-based): chr18:57,650,425, A>G on the plus strand (T>C on the coding strand, the complement: ATP8B1 is on the minus strand). VCF-style: chr18-57650425-A-G. GRCh37 (hg19) VCF-style: chr18-55317657-A-G.
Other names: c.3323T>C, p.Leu1108Pro (NM_001374386.1); c.3473T>C, p.Leu1158Pro (NM_005603.6); short protein forms L1108P, L1158P.
Identifiers: ClinVar variation 1028920 (VCV001028920.1), dbSNP rs1909527634, ClinGen allele CA402541562.

ClinVar aggregate classification (germline): Uncertain significance (1 of 4 stars; one submission).

Conditions:
Progressive familial intrahepatic cholestasis type 1. Also called: Byler's disease; Severe ATP8B1 Deficiency (Progressive Familial Intrahepatic Cholestasis Type 1 [PFIC1]); BYLER DISEASE. Identifiers: Orphanet 79306, MedGen C4551898, MONDO:0008892, OMIM 211600.

Submission:

Baylor Genetics
Classification: Uncertain significance for Progressive familial intrahepatic cholestasis type 1. Last evaluated: 2020-05-05. Review status: criteria provided, single submitter. Criteria: ACMG Guidelines, 2015. Collection method: clinical testing. Allele origin: unknown. Affected: yes.
Comment: This variant was determined to be of uncertain significance according to ACMG Guidelines, 2015 [PMID:25741868].